The following is an entry in ClinVar:

NM_000218.3(KCNQ1):c.1514+1121A>G

Genes: KCNQ1 (potassium voltage-gated channel subfamily Q member 1; plus strand), KCNQ1OT1 (KCNQ1 opposite strand/antisense transcript 1; minus strand). Cytogenetic location: 11p15.5.
Variant type: single nucleotide variant.
Coding change: c.1514+1121A>G on transcript NM_000218.3 (MANE Select); 1121 bases into the intron after coding-DNA position 1514, A replaced by G.
Molecular consequence: intron variant. On other transcripts: non-coding transcript variant (1).
Genome position (GRCh38, 1-based): chr11:2,663,202, A>G. VCF-style: chr11-2663202-A-G. GRCh37 (hg19) VCF-style: chr11-2684432-A-G.
Other names: c.1244+1121A>G (NM_001406837.1); c.1418+1121A>G (NM_001406836.1); c.974+1121A>G (NM_001406838.1); c.1133+1121A>G (NM_181798.2).
Identifiers: ClinVar variation 3389338 (VCV003389338.14).

ClinVar aggregate classification (germline): Likely benign (1 of 4 stars; one submission).

gnomAD v4.1: 521 of 398,716 alleles (0.13%); highest among the groups gnomAD compares: African/African-American, 0.84%; 4 homozygotes.

Submission:

CeGaT Center for Human Genetics Tuebingen
Classification: Likely benign. Last evaluated: 2026-07-01. Review status: criteria provided, single submitter. Criteria: CeGaT Center For Human Genetics Tuebingen Variant Classification Criteria Version 2. Collection method: clinical testing. Allele origin: germline. Affected: yes. Observed: 2 variant alleles.
Comment: KCNQ1OT1: BS2